The following is an entry in ClinVar:

ClinVar aggregate classification (germline): Uncertain significance (1 of 4 stars; one submission).

Submission:

Labcorp Genetics (formerly Invitae), Labcorp
Classification: Uncertain significance. Last evaluated: 2025-12-23. Review status: criteria provided, single submitter. Criteria: Invitae Variant Classification Sherloc (09022015). Collection method: clinical testing. Allele origin: germline.
Comment: This sequence change replaces glycine, which is neutral and non-polar, with arginine, which is basic and polar, at codon 147 of the ALPK3 protein (p.Gly147Arg). This variant is not present in population databases (gnomAD no frequency). This variant has not been reported in the literature in individuals affected with ALPK3-related conditions. ClinVar contains an entry for this variant (Variation ID: 1945662). An algorithm developed to predict the effect of missense changes on protein structure and function (PolyPhen-2) suggests that this variant is likely to be disruptive. In summary, the available evidence is currently insufficient to determine the role of this variant in disease. Therefore, it has been classified as a Variant of Uncertain Significance.

NC_000015.10:g.84817285G>C

Gene: ALPK3 (alpha kinase 3; plus strand). Cytogenetic location: 15q25.3.
Variant type: single nucleotide variant.
Genome position: GRCh38 VCF-style: chr15-84817285-G-C. GRCh37 (hg19) VCF-style: chr15-85360516-G-C.
Identifiers: ClinVar variation 1945662 (VCV001945662.5), dbSNP rs1963370036, ClinGen allele CA393368910.